The following is an entry in ClinVar:

NM_005733.3(KIF20A):c.199G>T (p.Val67Leu)

Gene: KIF20A (kinesin family member 20A; plus strand). Cytogenetic location: 5q31.2.
Variant type: single nucleotide variant.
Coding change: c.199G>T on transcript NM_005733.3 (MANE Select); coding-DNA position 199, G replaced by T.
Protein change: p.Val67Leu; replaces valine 67 with leucine.
Molecular consequence: missense variant.
Genome position (GRCh38, 1-based): chr5:138,181,455, G>T. VCF-style: chr5-138181455-G-T. GRCh37 (hg19) VCF-style: chr5-137517144-G-T.
Other names: short protein forms V67L.
Identifiers: ClinVar variation 2781604 (VCV002781604.3), dbSNP rs1178634798, ClinGen allele CA361112072.
Genomic context (GRCh38, chr5:138,181,455, plus strand): 5'-TGGTTCTGGGCTGGGATTCTGCCACAGGTTCCATCTGAGGACAGTATGGAGAAGGTGAAA[G>T]TATACTTGAGGGTTAGGCCCTTGTTACCTTCAGAGTTGGAACGACAGGAAGATCAGGTAA-3'
Protein context (NP_005724.1, residues 57-77): PSEDSMEKVK[Val67Leu]YLRVRPLLPS

ClinVar aggregate classification (germline): Uncertain significance (1 of 4 stars; one submission).

Submission:

Labcorp Genetics (formerly Invitae), Labcorp
Classification: Uncertain significance. Last evaluated: 2023-06-05. Review status: criteria provided, single submitter. Criteria: Invitae Variant Classification Sherloc (09022015). Collection method: clinical testing. Allele origin: germline.
Comment: This variant is not present in population databases (gnomAD no frequency). This sequence change replaces valine, which is neutral and non-polar, with leucine, which is neutral and non-polar, at codon 67 of the KIF20A protein (p.Val67Leu). This variant has not been reported in the literature in individuals affected with KIF20A-related conditions. An algorithm developed to predict the effect of missense changes on protein structure and function (PolyPhen-2) suggests that this variant is likely to be disruptive. In summary, the available evidence is currently insufficient to determine the role of this variant in disease. Therefore, it has been classified as a Variant of Uncertain Significance.